The following is an entry in ClinVar:

ClinVar aggregate classification (germline): Uncertain significance (1 of 4 stars; one submission).

Conditions:
Developmental and epileptic encephalopathy 94 (DEE94). Also called: Epileptic encephalopathy, childhood-onset; CHD2-Related Neurodevelopmental Disorders. Identifiers: Orphanet 1942, Orphanet 2382, MedGen C3809278, MONDO:0014150, OMIM 615369.

Allele frequency attached by ClinVar (database versions not stated): gnomAD exomes below 0.00001 and 0.00002; ExAC 0.00001; gnomAD 0.00001; TOPMed 0.00002; ESP Exome Variant Server 0.00008.
gnomAD v4.1: 26 of 1,613,916 alleles (0.0016%); highest among the groups gnomAD compares: Non-Finnish European, 0.002%; no homozygotes.

Submission:

Labcorp Genetics (formerly Invitae), Labcorp
Classification: Uncertain significance for Developmental and epileptic encephalopathy 94. Last evaluated: 2025-09-16. Review status: criteria provided, single submitter. Criteria: Invitae Variant Classification Sherloc (09022015). Collection method: clinical testing. Allele origin: germline.
Comment: This sequence change replaces serine, which is neutral and polar, with leucine, which is neutral and non-polar, at codon 33 of the CHD2 protein (p.Ser33Leu). This variant is present in population databases (rs377012056, gnomAD 0.0009%). This variant has not been reported in the literature in individuals affected with CHD2-related conditions. ClinVar contains an entry for this variant (Variation ID: 657741). Invitae Evidence Modeling of protein sequence and biophysical properties (such as structural, functional, and spatial information, amino acid conservation, physicochemical variation, residue mobility, and thermodynamic stability) indicates that this missense variant is not expected to disrupt CHD2 protein function with a negative predictive value of 95%. In summary, the available evidence is currently insufficient to determine the role of this variant in disease. Therefore, it has been classified as a Variant of Uncertain Significance.

NM_001271.4(CHD2):c.98C>T (p.Ser33Leu)

Gene: CHD2 (chromodomain helicase DNA binding protein 2; plus strand). Cytogenetic location: 15q26.1.
Variant type: single nucleotide variant.
Coding change: c.98C>T on transcript NM_001271.4 (MANE Select); coding-DNA position 98, C replaced by T.
Protein change: p.Ser33Leu; replaces serine 33 with leucine.
Molecular consequence: missense variant.
Genome position (GRCh38, 1-based): chr15:92,924,356, C>T. VCF-style: chr15-92924356-C-T. GRCh37 (hg19) VCF-style: chr15-93467586-C-T.
Other names: c.98C>T, p.Ser33Leu (NM_001042572.3); short protein forms S33L.
Identifiers: ClinVar variation 657741 (VCV000657741.7), dbSNP rs377012056, ClinGen allele CA7747442.
Genomic context (GRCh38, chr15:92,924,356, plus strand): 5'-AAATCTCTCTCTCTCTCAAAATAAGTCACTCAGCCTCTGAAGAAGCTTCGGGTTCAGACT[C>T]AGGCAGTCAGTCGGAAAGTGAGCAGGGAAGTGATCCAGGAAGTGGACATGGCAGCGAGTC-3'
Protein context (NP_001262.3, residues 23-43): SASEEASGSD[Ser33Leu]GSQSESEQGS